The following is an entry in ClinVar:

NM_000159.4(GCDH):c.578C>T (p.Thr193Ile)

Gene: GCDH (glutaryl-CoA dehydrogenase; plus strand). Cytogenetic location: 19p13.13.
Variant type: single nucleotide variant.
Coding change: c.578C>T on transcript NM_000159.4 (MANE Select); coding-DNA position 578, C replaced by T.
Protein change: p.Thr193Ile; replaces threonine 193 with isoleucine.
Molecular consequence: missense variant. On other transcripts: non-coding transcript variant (2).
Genome position (GRCh38, 1-based): chr19:12,896,064, C>T. VCF-style: chr19-12896064-C-T. GRCh37 (hg19) VCF-style: chr19-13006878-C-T.
Other names: c.578C>T, p.Thr193Ile (NM_013976.5); short protein forms T193I.
Identifiers: ClinVar variation 4766151 (VCV004766151.1).

ClinVar aggregate classification (germline): Uncertain significance (1 of 4 stars; one submission).

Conditions:
Glutaric aciduria, type 1. Also called: GA I; Glutaric Acidemia Type 1; Glutaryl-CoA dehydrogenase deficiency; Glutaric acidemia type I; Glutaricacidemia Type 1; Glutaricaciduria, type I. Identifiers: Orphanet 25, MedGen C0268595, MONDO:0009281, OMIM 231670.

Submission:

Labcorp Genetics (formerly Invitae), Labcorp
Classification: Uncertain significance for Glutaric aciduria, type 1. Last evaluated: 2025-11-11. Review status: criteria provided, single submitter. Criteria: Invitae Variant Classification Sherloc (09022015). Collection method: clinical testing. Allele origin: germline.
Comment: This sequence change replaces threonine, which is neutral and polar, with isoleucine, which is neutral and non-polar, at codon 193 of the GCDH protein (p.Thr193Ile). This variant is present in population databases (no rsID available, gnomAD 0.0009%). This variant has not been reported in the literature in individuals affected with GCDH-related conditions. Invitae Evidence Modeling of protein sequence and biophysical properties (such as structural, functional, and spatial information, amino acid conservation, physicochemical variation, residue mobility, and thermodynamic stability) indicates that this missense variant is expected to disrupt GCDH protein function with a positive predictive value of 80%. In summary, the available evidence is currently insufficient to determine the role of this variant in disease. Therefore, it has been classified as a Variant of Uncertain Significance.